The following is an entry in ClinVar:

NM_003280.3(TNNC1):c.108C>A (p.Ile36=)

Gene: TNNC1 (troponin C1, slow skeletal and cardiac type; minus strand). Cytogenetic location: 3p21.1.
Variant type: single nucleotide variant.
Coding change: c.108C>A on transcript NM_003280.3 (MANE Select); coding-DNA position 108, C replaced by A.
Protein change: p.Ile36=; no amino-acid change (isoleucine 36 retained).
Molecular consequence: synonymous variant.
Genome position (GRCh38, 1-based): chr3:52,452,200, G>T on the plus strand (C>A on the coding strand, the complement: TNNC1 is on the minus strand). VCF-style: chr3-52452200-G-T. GRCh37 (hg19) VCF-style: chr3-52486216-G-T.
Other names: p.Ile36=.
Identifiers: ClinVar variation 179034 (VCV000179034.29), dbSNP rs202000367, ClinGen allele CA183570.

ClinVar aggregate classification (germline): Conflicting classifications of pathogenicity. Review status: criteria provided, conflicting classifications (1 of 4 stars). 13 submissions from 12 submitters: Uncertain significance (1); Benign (5); Likely benign (4). 3 of the submissions do not count toward it. Last evaluated 2026-01-28.

Conditions:
Cardiovascular phenotype. Identifiers: MedGen CN230736.
Hypertrophic cardiomyopathy 13. Also called: TNNC1-Related Familial Hypertrophic Cardiomyopathy. Identifiers: MedGen C2750472, MONDO:0013195, OMIM 613243.
Dilated cardiomyopathy 1Z (CMD1Z). Identifiers: Orphanet 154, MedGen C2678475, MONDO:0012745, OMIM 611879.
Cardiomyopathy (CMYO). Also called: Cardiomyopathies. Identifiers: Orphanet 167848, MedGen C0878544, MONDO:0004994, HP:0001638. Inheritance: Various modes of inheritance.

Allele frequency attached by ClinVar (database versions not stated): ESP Exome Variant Server 0.00008; gnomAD 0.00030 and 0.00042; TOPMed 0.00039; ExAC 0.00066; 1000 Genomes Project 0.00120; 1000 Genomes Project 30x 0.00125.

Submissions (13):

Labcorp Genetics (formerly Invitae), Labcorp
Classification: Benign for Hypertrophic cardiomyopathy 13; Dilated cardiomyopathy 1Z. Last evaluated: 2026-01-28. Review status: criteria provided, single submitter. Criteria: Invitae Variant Classification Sherloc (09022015). Collection method: clinical testing. Allele origin: germline.

Blueprint Genetics
Classification: Likely benign. Last evaluated: 2024-11-26. Review status: criteria provided, single submitter. Criteria: ACMG Guidelines, 2015. Collection method: clinical testing. Allele origin: germline.

Mayo Clinic Laboratories, Mayo Clinic
Classification: Benign. Last evaluated: 2024-06-12. Review status: criteria provided, single submitter. Criteria: ACMG Guidelines, 2015. Collection method: clinical testing. Allele origin: germline. Observed: 2 variant alleles.
Comment: BS1, BS2, BP4, BP7

Women's Health and Genetics/Laboratory Corporation of America, LabCorp
Classification: Benign. Last evaluated: 2023-12-03. Review status: criteria provided, single submitter. Criteria: LabCorp Variant Classification Summary - May 2015. Collection method: clinical testing. Allele origin: germline.

Illumina Laboratory Services, Illumina
Classification: Uncertain significance for Dilated cardiomyopathy 1Z. Last evaluated: 2018-01-12. Review status: criteria provided, single submitter. Criteria: ICSL Variant Classification Criteria 13 December 2019. Collection method: clinical testing. Allele origin: germline.

Illumina Laboratory Services, Illumina
Classification: Likely benign for Hypertrophic cardiomyopathy 13. Last evaluated: 2018-01-12. Review status: criteria provided, single submitter. Criteria: ICSL Variant Classification Criteria 13 December 2019. Collection method: clinical testing. Allele origin: germline.
Comment: This variant was observed in the ICSL laboratory as part of a predisposition screen in an ostensibly healthy population. It had not been previously curated by ICSL or reported in the Human Gene Mutation Database (HGMD: prior to June 1st, 2018), and was therefore a candidate for classification through an automated scoring system. Utilizing variant allele frequency, disease prevalence and penetrance estimates, and inheritance mode, an automated score was calculated to assess if this variant is too frequent to cause the disease. Based on the score and internal cut-off values, a variant classified as likely benign is not then subjected to further curation. The score for this variant resulted in a classification of likely benign for this disease.

CHEO Genetics Diagnostic Laboratory, Children's Hospital of Eastern Ontario
Classification: Benign for Cardiomyopathy. Last evaluated: 2017-11-08. Review status: criteria provided, single submitter. Criteria: ACMG Guidelines, 2015. Collection method: clinical testing. Allele origin: germline.

Ambry Genetics
Classification: Likely benign for Cardiovascular phenotype. Last evaluated: 2016-08-26. Review status: criteria provided, single submitter. Criteria: Ambry Variant Classification Scheme 2023. Collection method: clinical testing. Allele origin: germline.

GeneDx
Classification: Benign. Last evaluated: 2015-03-03. Review status: criteria provided, single submitter. Criteria: GeneDx Variant Classification Process June 2021. Collection method: clinical testing. Allele origin: germline. Affected: yes.

Laboratory for Molecular Medicine, Mass General Brigham Personalized Medicine
Classification: Likely benign. Last evaluated: 2014-05-08. Review status: criteria provided, single submitter. Criteria: LMM Criteria. Collection method: clinical testing. Allele origin: germline. Observed: 1 variant allele.
Comment: Ile36Ile in exon 3 of TNNC1: This variant is not expected to have clinical signi ficance because it does not alter an amino acid residue and is not located withi n the splice consensus sequence. It has been identified in 1/8600 European Ameri can chromosomes from a broad population by the NHLBI Exome Sequencing Project (dbSNP rs202000367).

Clinical Genetics DNA and cytogenetics Diagnostics Lab, Erasmus MC, Erasmus Medical Center
Classification: Likely benign. Review status: no assertion criteria provided. Collection method: clinical testing. Allele origin: germline. Affected: yes. Study: VKGL Data-share Consensus. Not counted in ClinVar's aggregate classification.

Clinical Genetics, Academic Medical Center
Classification: Benign. Review status: no assertion criteria provided. Collection method: clinical testing. Allele origin: germline. Affected: yes. Study: VKGL Data-share Consensus. Not counted in ClinVar's aggregate classification.

Genome Diagnostics Laboratory, University Medical Center Utrecht
Classification: Likely benign. Review status: no assertion criteria provided. Collection method: clinical testing. Allele origin: germline. Affected: yes. Study: VKGL Data-share Consensus. Not counted in ClinVar's aggregate classification.